The following is an entry in ClinVar:

ClinVar aggregate classification (germline): Uncertain significance (1 of 4 stars; one submission).

Allele frequency attached by ClinVar (database versions not stated): gnomAD exomes below 0.00001.
gnomAD v4.1: 1 of 1,614,172 alleles (0.000062%); highest among the groups gnomAD compares: African/African-American, 0.0013%; no homozygotes.

Submission:

Labcorp Genetics (formerly Invitae), Labcorp
Classification: Uncertain significance. Last evaluated: 2023-05-12. Review status: criteria provided, single submitter. Criteria: Invitae Variant Classification Sherloc (09022015). Collection method: clinical testing. Allele origin: germline.
Comment: In summary, the available evidence is currently insufficient to determine the role of this variant in disease. Therefore, it has been classified as a Variant of Uncertain Significance. Advanced modeling of protein sequence and biophysical properties (such as structural, functional, and spatial information, amino acid conservation, physicochemical variation, residue mobility, and thermodynamic stability) performed at Invitae indicates that this missense variant is not expected to disrupt NCSTN protein function. This variant has not been reported in the literature in individuals affected with NCSTN-related conditions. This variant is not present in population databases (gnomAD no frequency). This sequence change replaces threonine, which is neutral and polar, with alanine, which is neutral and non-polar, at codon 87 of the NCSTN protein (p.Thr87Ala).

NM_015331.3(NCSTN):c.259A>G (p.Thr87Ala)

Gene: NCSTN (nicastrin; plus strand). Cytogenetic location: 1q23.2.
Variant type: single nucleotide variant.
Coding change: c.259A>G on transcript NM_015331.3 (MANE Select); coding-DNA position 259, A replaced by G.
Protein change: p.Thr87Ala; replaces threonine 87 with alanine.
Molecular consequence: missense variant.
Genome position (GRCh38, 1-based): chr1:160,349,067, A>G. VCF-style: chr1-160349067-A-G. GRCh37 (hg19) VCF-style: chr1-160318857-A-G.
Other names: c.199A>G, p.Thr67Ala (NM_001290184.2); c.259A>G, p.Thr87Ala (NM_001290186.2, NM_001349729.2); short protein forms T87A, T67A.
Identifiers: ClinVar variation 2863769 (VCV002863769.3), dbSNP rs2525516842, ClinGen allele CA343276666.